The following is an entry in ClinVar:

NM_004168.4(SDHA):c.1909-2A>G

Gene: SDHA (succinate dehydrogenase complex flavoprotein subunit A; plus strand). Cytogenetic location: 5p15.33.
Variant type: single nucleotide variant.
Coding change: c.1909-2A>G on transcript NM_004168.4 (MANE Select); the canonical splice acceptor site of the intron before coding-DNA position 1909, A replaced by G.
Molecular consequence: splice acceptor variant.
Genome position (GRCh38, 1-based): chr5:256,332, A>G. VCF-style: chr5-256332-A-G. GRCh37 (hg19) VCF-style: chr5-256447-A-G.
Other names: c.1666-2A>G (NM_001330758.2); c.1765-2A>G (NM_001294332.2).
Identifiers: ClinVar variation 480769 (VCV000480769.16), dbSNP rs747939816, ClinGen allele CA3173457.

ClinVar aggregate classification (germline): Likely pathogenic. Review status: criteria provided, multiple submitters, no conflicts (2 of 4 stars). 3 submissions from 3 submitters: Likely pathogenic (3). Last evaluated 2025-10-13.

Conditions:
Pheochromocytoma/paraganglioma syndrome 5. Also called: Paragangliomas 5; SDHA-Related Hereditary Paraganglioma-Pheochromocytoma Syndrome. Identifiers: Orphanet 29072, MedGen C3279992, MONDO:0013602, OMIM 614165.
Mitochondrial complex II deficiency, nuclear type 1. Also called: SUCCINATE CoQ REDUCTASE DEFICIENCY. Identifiers: Orphanet 3208, MedGen C5700310, MONDO:0100294, OMIM 252011.
Hereditary cancer-predisposing syndrome. Also called: Neoplastic Syndromes, Hereditary; Hereditary Cancer Syndrome; Hereditary neoplastic syndrome; Tumor predisposition. Identifiers: Orphanet 140162, MedGen C0027672, MeSH D009386, MONDO:0015356.

Allele frequency attached by ClinVar (database versions not stated): gnomAD exomes below 0.00001; TOPMed below 0.00001; ExAC 0.00001; gnomAD 0.00001.
gnomAD v4.1: 3 of 1,611,902 alleles (0.00019%); highest among the groups gnomAD compares: Non-Finnish European, 0.00017%; no homozygotes.

Submissions (3):

Labcorp Genetics (formerly Invitae), Labcorp
Classification: Likely pathogenic for Pheochromocytoma/paraganglioma syndrome 5; Mitochondrial complex II deficiency, nuclear type 1. Last evaluated: 2025-10-13. Review status: criteria provided, single submitter. Criteria: Invitae Variant Classification Sherloc (09022015). Collection method: clinical testing. Allele origin: germline.
Comment: This sequence change affects an acceptor splice site in intron 14 of the SDHA gene. While this variant is not anticipated to result in nonsense mediated decay, it likely alters RNA splicing and results in a disrupted protein product. This variant is present in population databases (rs747939816, gnomAD 0.004%). Disruption of this splice site has been observed in individual(s) with gastrointestinal stromal tumor (PMID: 28546994; internal data). ClinVar contains an entry for this variant (Variation ID: 480769). Variants that disrupt the consensus splice site are a relatively common cause of aberrant splicing (PMID: 17576681, 9536098). Studies have shown that disruption of this splice site is associated with inconclusive levels of altered splicing (internal data). In summary, the currently available evidence indicates that the variant is pathogenic, but additional data are needed to prove that conclusively. Therefore, this variant has been classified as Likely Pathogenic.

Ambry Genetics
Classification: Likely pathogenic for Hereditary cancer-predisposing syndrome. Last evaluated: 2025-08-08. Review status: criteria provided, single submitter. Criteria: Ambry Variant Classification Scheme 2023. Collection method: clinical testing. Allele origin: germline.
Comment: The c.1909-2A>G intronic variant results from an A to G substitution two nucleotides upstream from coding exon 15 in the SDHA gene. This variant was reported in individual(s) with features consistent with SDHA-related hereditary pheochromocytoma-paraganglioma (Casey RT et al. Mol Genet Genomic Med, 2017 May;5:237-250; Ambry internal data). This nucleotide position is highly conserved in available vertebrate species. In silico splice site analysis predicts that this alteration will weaken the native splice acceptor site and will result in the creation or strengthening of a novel splice acceptor site. RNA studies have demonstrated that this alteration results in abnormal splicing in the set of samples tested (Ambry internal data). This variant is considered to be rare based on population cohorts in the Genome Aggregation Database (gnomAD). Based on the majority of available evidence to date, this variant is likely to be pathogenic.

Myriad Genetics, Inc.
Classification: Likely pathogenic for Pheochromocytoma/paraganglioma syndrome 5. Last evaluated: 2024-02-08. Review status: criteria provided, single submitter. Criteria: Myriad Autosomal Dominant, Autosomal Recessive and X-Linked Classification Criteria (2023). Collection method: clinical testing. Allele origin: unknown.
Comment: This variant is considered likely pathogenic. This variant occurs within a consensus splice junction and is predicted to result in abnormal mRNA splicing of either an out-of-frame exon or an in-frame exon necessary for protein stability and/or normal function.

Literature cited by the submitters: PubMed 28546994 (cited by Labcorp Genetics (formerly Invitae), Labcorp and Ambry Genetics); PubMed 17576681 (cited by Labcorp Genetics (formerly Invitae), Labcorp); PubMed 9536098 (cited by Labcorp Genetics (formerly Invitae), Labcorp).